The following is an entry in ClinVar:

ClinVar aggregate classification (germline): Uncertain significance (1 of 4 stars; one submission).

Conditions:
Combined oxidative phosphorylation defect type 27. Also called: Combined oxidative phosphorylation deficiency 27. Identifiers: Orphanet 477774, MedGen C5567608, MONDO:0014728, OMIM 616672.

Submission:

Labcorp Genetics (formerly Invitae), Labcorp
Classification: Uncertain significance for Combined oxidative phosphorylation deficiency 27. Last evaluated: 2019-11-15. Review status: criteria provided, single submitter. Criteria: Invitae Variant Classification Sherloc (09022015). Collection method: clinical testing. Allele origin: germline.
Comment: This variant results in a copy number gain of the genomic region encompassing exons 8-15 of the CARS2 gene. The 5' boundary is likely confined to intron 7. The 3' end of this event is unknown as it extends beyond the assayed region for this gene and therefore may encompass additional genes. As the precise location of this event is unknown, it may be in tandem or it may be located elsewhere in the genome. This variant has not been reported in the literature in individuals with CARS2-related conditions. In summary, the available evidence is currently insufficient to determine the role of this variant in disease. Therefore, it has been classified as a Variant of Uncertain Significance.

NC_000013.11:g.(?_110641517)_(110667493_?)dup

Gene: CARS2 (cysteinyl-tRNA synthetase 2, mitochondrial; minus strand). Cytogenetic location: 13q34.
Variant type: Duplication.
Identifiers: ClinVar variation 830938 (VCV000830938.1).